The following is an entry in ClinVar:

NM_033198.4(PIGS):c.395A>G (p.Asp132Gly)

Gene: PIGS (phosphatidylinositol glycan anchor biosynthesis class S; minus strand). Cytogenetic location: 17q11.2.
Variant type: single nucleotide variant.
Coding change: c.395A>G on transcript NM_033198.4 (MANE Select); coding-DNA position 395, A replaced by G.
Protein change: p.Asp132Gly; replaces aspartic acid 132 with glycine.
Molecular consequence: missense variant.
Genome position (GRCh38, 1-based): chr17:28,563,504, T>C on the plus strand (A>G on the coding strand, the complement: PIGS is on the minus strand). VCF-style: chr17-28563504-T-C. GRCh37 (hg19) VCF-style: chr17-26890522-T-C.
Other names: p.Asp132Gly; short protein forms D132G.
Identifiers: ClinVar variation 4542141 (VCV004542141.1).
Genomic context (GRCh38, chr17:28,563,504, plus strand): 5'-GAGGAGTGTTCAGATATCACGTACACAGTCAGGGAGCCCTCCGCTTGTTCCTGAGGCTCA[T>C]CTAACATGGCTTCTGCCTCTGGGGGCAAGAACAGGTGGTACACCAAGAGCAAAACACCAT-3'
Protein context (NP_149975.1, residues 122-142): GSVQEAEAML[Asp132Gly]EPQEQAEGSL

ClinVar aggregate classification (germline): Uncertain significance (1 of 4 stars; one submission).

gnomAD v4.1: 1 of 1,613,900 alleles (0.000062%); highest among the groups gnomAD compares: Non-Finnish European, 0.000085%; no homozygotes.

Submission:

Mayo Clinic Laboratories, Mayo Clinic
Classification: Uncertain significance. Last evaluated: 2025-01-28. Review status: criteria provided, single submitter. Criteria: ACMG Guidelines, 2015. Collection method: clinical testing. Allele origin: germline. Observed: 1 variant allele.
Comment: BP4, PM2_supporting